The following is an entry in ClinVar:

NM_182914.3(SYNE2):c.6355A>G (p.Ile2119Val)

Gene: SYNE2 (spectrin repeat containing nuclear envelope protein 2; plus strand). Cytogenetic location: 14q23.2.
Variant type: single nucleotide variant.
Coding change: c.6355A>G on transcript NM_182914.3 (MANE Select); coding-DNA position 6355, A replaced by G.
Protein change: p.Ile2119Val; replaces isoleucine 2119 with valine.
Molecular consequence: missense variant.
Genome position (GRCh38, 1-based): chr14:64,026,681, A>G. VCF-style: chr14-64026681-A-G. GRCh37 (hg19) VCF-style: chr14-64493399-A-G.
Other names: c.6355A>G, p.Ile2119Val (NM_015180.6); short protein forms I2119V.
Identifiers: ClinVar variation 4752953 (VCV004752953.1).

ClinVar aggregate classification (germline): Uncertain significance (1 of 4 stars; one submission).

Conditions:
Emery-Dreifuss muscular dystrophy 5, autosomal dominant (EDMD5). Also called: EMERY-DREIFUSS MUSCULAR DYSTROPHY 5. Identifiers: Orphanet 261, MedGen C2751805, MONDO:0013072, OMIM 612999.

Submission:

Labcorp Genetics (formerly Invitae), Labcorp
Classification: Uncertain significance for Emery-Dreifuss muscular dystrophy 5, autosomal dominant. Last evaluated: 2025-06-25. Review status: criteria provided, single submitter. Criteria: Invitae Variant Classification Sherloc (09022015). Collection method: clinical testing. Allele origin: germline.
Comment: This sequence change replaces isoleucine, which is neutral and non-polar, with valine, which is neutral and non-polar, at codon 2119 of the SYNE2 protein (p.Ile2119Val). This variant is not present in population databases (gnomAD no frequency). This variant has not been reported in the literature in individuals affected with SYNE2-related conditions. An algorithm developed to predict the effect of missense changes on protein structure and function (PolyPhen-2) suggests that this variant is likely to be tolerated. In summary, the available evidence is currently insufficient to determine the role of this variant in disease. Therefore, it has been classified as a Variant of Uncertain Significance.